The following is an entry in ClinVar:

NM_020831.6(MRTFA):c.1651C>G (p.Pro551Ala)

Gene: MRTFA (myocardin related transcription factor A; minus strand). Cytogenetic location: 22q13.1.
Variant type: single nucleotide variant.
Coding change: c.1651C>G on transcript NM_020831.6 (MANE Select); coding-DNA position 1651, C replaced by G.
Protein change: p.Pro551Ala; replaces proline 551 with alanine.
Molecular consequence: missense variant.
Genome position (GRCh38, 1-based): chr22:40,419,087, G>C on the plus strand (C>G on the coding strand, the complement: MRTFA is on the minus strand). VCF-style: chr22-40419087-G-C. GRCh37 (hg19) VCF-style: chr22-40815091-G-C.
Other names: c.1351C>G, p.Pro451Ala (NM_001282660.2); c.1501C>G, p.Pro501Ala (NM_001282661.3); c.1651C>G, p.Pro551Ala (NM_001282662.3); c.1456C>G, p.Pro486Ala (NM_001318139.2); short protein forms P451A, P486A, P501A, P551A.
Identifiers: ClinVar variation 1015169 (VCV001015169.8), dbSNP rs752603698, ClinGen allele CA10249609.

ClinVar aggregate classification (germline): Uncertain significance (1 of 4 stars; one submission).

Allele frequency attached by ClinVar (database versions not stated): TOPMed 0.00001.
gnomAD v4.1: 8 of 1,603,440 alleles (0.0005%); highest among the groups gnomAD compares: Admixed American, 0.0034%; no homozygotes.

Submission:

Labcorp Genetics (formerly Invitae), Labcorp
Classification: Uncertain significance. Last evaluated: 2022-07-06. Review status: criteria provided, single submitter. Criteria: Invitae Variant Classification Sherloc (09022015). Collection method: clinical testing. Allele origin: germline.
Comment: In summary, the available evidence is currently insufficient to determine the role of this variant in disease. Therefore, it has been classified as a Variant of Uncertain Significance. Algorithms developed to predict the effect of missense changes on protein structure and function are either unavailable or do not agree on the potential impact of this missense change (SIFT: "Deleterious"; PolyPhen-2: "Benign"; Align-GVGD: "Class C25"). ClinVar contains an entry for this variant (Variation ID: 1015169). This variant has not been reported in the literature in individuals affected with MKL1-related conditions. This variant is present in population databases (rs752603698, gnomAD 0.009%). This sequence change replaces proline, which is neutral and non-polar, with alanine, which is neutral and non-polar, at codon 451 of the MKL1 protein (p.Pro451Ala).